The following is an entry in ClinVar:

NM_002528.7(NTHL1):c.137C>T (p.Pro46Leu)

Gene: NTHL1 (nth like DNA glycosylase 1; minus strand). Cytogenetic location: 16p13.3.
Variant type: single nucleotide variant.
Coding change: c.137C>T on transcript NM_002528.7 (MANE Select); coding-DNA position 137, C replaced by T.
Protein change: p.Pro46Leu; replaces proline 46 with leucine.
Molecular consequence: missense variant. On other transcripts: 5 prime UTR variant (1).
Genome position (GRCh38, 1-based): chr16:2,046,345, G>A on the plus strand (C>T on the coding strand, the complement: NTHL1 is on the minus strand). VCF-style: chr16-2046345-G-A. GRCh37 (hg19) VCF-style: chr16-2096346-G-A.
Other names: c.137C>T, p.Pro46Leu (NM_001318193.2); c.-42C>T (NM_001318194.2); c.161C>T (NM_002528.5); short protein forms P46L.
Identifiers: ClinVar variation 1049323 (VCV001049323.7), dbSNP rs2150947574, ClinGen allele CA394298013.

ClinVar aggregate classification (germline): Uncertain significance. Review status: criteria provided, multiple submitters, no conflicts (2 of 4 stars). 3 submissions from 3 submitters: Uncertain significance (2). 1 of the submissions does not count toward it. Last evaluated 2026-07-07.

Conditions:
Hereditary cancer-predisposing syndrome. Also called: Tumor predisposition; Hereditary Cancer Syndrome; Hereditary neoplastic syndrome; Neoplastic Syndromes, Hereditary. Identifiers: Orphanet 140162, MedGen C0027672, MeSH D009386, MONDO:0015356.

Submissions (3):

Ambry Genetics
Classification: Uncertain significance for Hereditary cancer-predisposing syndrome. Last evaluated: 2026-07-07. Review status: criteria provided, single submitter. Criteria: Ambry Variant Classification Scheme 2023. Collection method: clinical testing. Allele origin: germline.
Comment: The p.P54L variant (also known as c.161C>T), located in coding exon 2 of the NTHL1 gene, results from a C to T substitution at nucleotide position 161. The proline at codon 54 is replaced by leucine, an amino acid with similar properties. This amino acid position is conserved. In addition, this alteration is predicted to be tolerated by in silico analysis. Based on the available evidence, the clinical significance of this variant remains unclear.

Labcorp Genetics (formerly Invitae), Labcorp
Classification: Uncertain significance. Last evaluated: 2022-04-12. Review status: criteria provided, single submitter. Criteria: Invitae Variant Classification Sherloc (09022015). Collection method: clinical testing. Allele origin: germline.
Comment: In summary, the available evidence is currently insufficient to determine the role of this variant in disease. Therefore, it has been classified as a Variant of Uncertain Significance. Algorithms developed to predict the effect of missense changes on protein structure and function are either unavailable or do not agree on the potential impact of this missense change (SIFT: "Not Available"; PolyPhen-2: "Benign"; Align-GVGD: "Not Available"). ClinVar contains an entry for this variant (Variation ID: 1049323). This variant has not been reported in the literature in individuals affected with NTHL1-related conditions. This variant is not present in population databases (gnomAD no frequency). This sequence change replaces proline, which is neutral and non-polar, with leucine, which is neutral and non-polar, at codon 54 of the NTHL1 protein (p.Pro54Leu).

Department of Pathology and Laboratory Medicine, Sinai Health System
Classification: Uncertain significance. Review status: no assertion criteria provided. Collection method: clinical testing. Allele origin: unknown. Affected: yes. Study: The Canadian Open Genetics Repository (COGR). Not counted in ClinVar's aggregate classification.
Comment: The NTHL1 p.Ala46Val variant was not identified in the literature nor was it identified in ClinVar or Cosmic. The variant was identified in dbSNP (ID: rs202082304) and LOVD 3.0 (classified as benign and as a VUS). The variant was also identified in control databases in 223 of 222710 chromosomes (2 homozygous) at a frequency of 0.001001 increasing the likelihood this could be a low frequency benign variant (Genome Aggregation Database Feb 27, 2017). The variant was observed in the following populations: African in 189 of 19226 chromosomes (freq: 0.00983), Latino in 32 of 32578 chromosomes (freq: 0.000982) and European (non-Finnish) in 2 of 98418 chromosomes (freq: 0.00002); it was not observed in the Ashkenazi Jewish, East Asian, European (Finnish), Other or South Asian populations. The p.Ala46 residue is not conserved in mammals and computational analyses (PolyPhen-2, SIFT, AlignGVGD, BLOSUM, MutationTaster) do not suggest a high likelihood of impact to the protein; however, this information is not predictive enough to rule out pathogenicity. The p.Ala46Val variant occurs in the third last base of the exon; this position has been shown to be part of the splicing consensus sequence and variants involving this position sometimes affect splicing. In addition, 4 of 4 in silico or computational prediction software programs (SpliceSiteFinder, MaxEntScan, NNSPLICE, GeneSplicer) predict a greater than 10% difference in splicing and the loss of the canonical 5' splice site. However, functional assays have not confirmed this loss of splicing. In summary, based on the above information the clinical significance of this variant cannot be determined with certainty at this time. This variant is classified as a variant of uncertain significance.